The following is an entry in ClinVar:

ClinVar aggregate classification (germline): Uncertain significance (1 of 4 stars; one submission).

Allele frequency attached by ClinVar (database versions not stated): TOPMed 0.00001; gnomAD 0.00001.

Submission:

Center for Pediatric Genomic Medicine, Children's Mercy Hospital and Clinics
Classification: Uncertain significance. Last evaluated: 2016-09-08. Review status: criteria provided, single submitter. Criteria: ACMG Guidelines, 2015. Collection method: clinical testing. Allele origin: germline.
ClinVar note: Converted during submission from Uncertain Significance to Uncertain significance.

NM_001040716.2(PC):c.3429G>T (p.Met1143Ile)

Gene: PC (pyruvate carboxylase; minus strand). Cytogenetic location: 11q13.2.
Variant type: single nucleotide variant.
Coding change: c.3429G>T on transcript NM_001040716.2 (MANE Select); coding-DNA position 3429, G replaced by T.
Protein change: p.Met1143Ile; replaces methionine 1143 with isoleucine.
Molecular consequence: missense variant.
Genome position (GRCh38, 1-based): chr11:66,849,007, C>A on the plus strand (G>T on the coding strand, the complement: PC is on the minus strand). VCF-style: chr11-66849007-C-A. GRCh37 (hg19) VCF-style: chr11-66616478-C-A.
Other names: c.3429G>T, p.Met1143Ile (NM_000920.4, NM_022172.3); short protein forms M1143I.
Identifiers: ClinVar variation 377056 (VCV000377056.3), dbSNP rs1057520117, ClinGen allele CA16603247.